The following is an entry in ClinVar:

NM_001375524.1(TRRAP):c.8447C>T (p.Ala2816Val)

Gene: TRRAP (transformation/transcription domain associated protein; plus strand). Cytogenetic location: 7q22.1.
Variant type: single nucleotide variant.
Coding change: c.8447C>T on transcript NM_001375524.1 (MANE Select); coding-DNA position 8447, C replaced by T.
Protein change: p.Ala2816Val; replaces alanine 2816 with valine.
Molecular consequence: missense variant.
Genome position (GRCh38, 1-based): chr7:98,978,272, C>T. VCF-style: chr7-98978272-C-T. GRCh37 (hg19) VCF-style: chr7-98575895-C-T.
Other names: c.8426C>T, p.Ala2809Val (NM_001244580.2); c.8372C>T, p.Ala2791Val (NM_003496.4); short protein forms A2809V, A2816V, A2791V.
Identifiers: ClinVar variation 4779372 (VCV004779372.1).
Genomic context (GRCh38, chr7:98,978,272, plus strand): 5'-CACAAGAATCCTATGAAAAGGCAATGGATAAAGCCAAAAAAGAACATGAGAGGAGTAACG[C>T]CTCCCCTGCTATTTTCCCTGAATACCAGCTCTGGGAAGACCACTGGATTCGGTAAGCCAA-3'
Protein context (NP_001362453.1, residues 2806-2826): KAKKEHERSN[Ala2816Val]SPAIFPEYQL

ClinVar aggregate classification (germline): Uncertain significance (1 of 4 stars; one submission).

gnomAD v4.1: 1 of 1,614,144 alleles (0.000062%); highest among the groups gnomAD compares: Admixed American, 0.0017%; no homozygotes.

Submission:

Labcorp Genetics (formerly Invitae), Labcorp
Classification: Uncertain significance. Last evaluated: 2025-12-15. Review status: criteria provided, single submitter. Criteria: Invitae Variant Classification Sherloc (09022015). Collection method: clinical testing. Allele origin: germline.
Comment: This sequence change replaces alanine, which is neutral and non-polar, with valine, which is neutral and non-polar, at codon 2791 of the TRRAP protein (p.Ala2791Val). This variant is not present in population databases (gnomAD no frequency). This variant has not been reported in the literature in individuals affected with TRRAP-related conditions. Invitae Evidence Modeling of protein sequence and biophysical properties (such as structural, functional, and spatial information, amino acid conservation, physicochemical variation, residue mobility, and thermodynamic stability) indicates that this missense variant is not expected to disrupt TRRAP protein function with a negative predictive value of 80%. In summary, the available evidence is currently insufficient to determine the role of this variant in disease. Therefore, it has been classified as a Variant of Uncertain Significance.